The following is an entry in ClinVar:

NM_000245.4(MET):c.2080G>A (p.Gly694Arg)

Gene: MET (MET proto-oncogene, receptor tyrosine kinase; plus strand). Cytogenetic location: 7q31.2.
Variant type: single nucleotide variant.
Coding change: c.2080G>A on transcript NM_000245.4 (MANE Select); coding-DNA position 2080, G replaced by A.
Protein change: p.Gly694Arg; replaces glycine 694 with arginine.
Molecular consequence: missense variant.
Genome position (GRCh38, 1-based): chr7:116,757,752, G>A. VCF-style: chr7-116757752-G-A. GRCh37 (hg19) VCF-style: chr7-116397806-G-A.
Other names: c.2080G>A (NM_001127500.1); c.2080G>A, p.Gly694Arg (NM_001127500.3, NM_001324401.3); c.790G>A, p.Gly264Arg (NM_001324402.2); short protein forms G264R, G694R.
Identifiers: ClinVar variation 1409014 (VCV001409014.7), dbSNP rs2116925025, ClinGen allele CA368980131.

ClinVar aggregate classification (germline): Uncertain significance. Review status: criteria provided, multiple submitters, no conflicts (2 of 4 stars). 2 submissions from 2 submitters: Uncertain significance (2). Last evaluated 2024-04-25.

Conditions:
Hereditary cancer-predisposing syndrome. Also called: Hereditary Cancer Syndrome; Tumor predisposition; Hereditary neoplastic syndrome; Neoplastic Syndromes, Hereditary. Identifiers: Orphanet 140162, MedGen C0027672, MeSH D009386, MONDO:0015356.
Renal cell carcinoma. Identifiers: Orphanet 217071, MedGen C0007134, MeSH D002292, MONDO:0005086, HP:0005584.

Allele frequency attached by ClinVar (database versions not stated): gnomAD exomes below 0.00001.
gnomAD v4.1: 1 of 1,613,796 alleles (0.000062%); highest among the groups gnomAD compares: Non-Finnish European, 0.000085%; no homozygotes.

Submissions (2):

Ambry Genetics
Classification: Uncertain significance for Hereditary cancer-predisposing syndrome. Last evaluated: 2024-04-25. Review status: criteria provided, single submitter. Criteria: Ambry Variant Classification Scheme 2023. Collection method: clinical testing. Allele origin: germline.
Comment: The p.G694R variant (also known as c.2080G>A), located in coding exon 7 of the MET gene, results from a G to A substitution at nucleotide position 2080. The glycine at codon 694 is replaced by arginine, an amino acid with dissimilar properties. This amino acid position is well conserved in available vertebrate species. In addition, this alteration is predicted to be tolerated by in silico analysis. Based on the available evidence, the clinical significance of this variant remains unclear.

Labcorp Genetics (formerly Invitae), Labcorp
Classification: Uncertain significance for Renal cell carcinoma. Last evaluated: 2021-08-03. Review status: criteria provided, single submitter. Criteria: Invitae Variant Classification Sherloc (09022015). Collection method: clinical testing. Allele origin: germline.
Comment: In summary, the available evidence is currently insufficient to determine the role of this variant in disease. Therefore, it has been classified as a Variant of Uncertain Significance. Algorithms developed to predict the effect of sequence changes on RNA splicing suggest that this variant may create or strengthen a splice site. Algorithms developed to predict the effect of missense changes on protein structure and function are either unavailable or do not agree on the potential impact of this missense change (SIFT: "Tolerated"; PolyPhen-2: "Possibly Damaging"; Align-GVGD: "Class C0"). This variant has not been reported in the literature in individuals affected with MET-related conditions. This variant is not present in population databases (ExAC no frequency). This sequence change replaces glycine with arginine at codon 694 of the MET protein (p.Gly694Arg). The glycine residue is moderately conserved and there is a moderate physicochemical difference between glycine and arginine.